The following is an entry in ClinVar:

NM_001330078.2(NRXN1):c.75G>A (p.Ala25=)

Gene: NRXN1 (neurexin 1; minus strand). Cytogenetic location: 2p16.3.
Variant type: single nucleotide variant.
Coding change: c.75G>A on transcript NM_001330078.2 (MANE Select); coding-DNA position 75, G replaced by A.
Protein change: p.Ala25=; no amino-acid change (alanine 25 retained).
Molecular consequence: synonymous variant.
Genome position (GRCh38, 1-based): chr2:51,028,199, C>T on the plus strand (G>A on the coding strand, the complement: NRXN1 is on the minus strand). VCF-style: chr2-51028199-C-T. GRCh37 (hg19) VCF-style: chr2-51255337-C-T.
Other names: c.75G>A, p.Ala25= (NM_001135659.3, NM_001330077.2, NM_001330079.2 and 15 more transcripts).
Identifiers: ClinVar variation 511761 (VCV000511761.8), dbSNP rs376641324, ClinGen allele CA1655566.

ClinVar aggregate classification (germline): Likely benign. Review status: criteria provided, multiple submitters, no conflicts (2 of 4 stars). 2 submissions from 2 submitters: Likely benign (2). Last evaluated 2024-09-02.

Conditions:
Pitt-Hopkins-like syndrome 2 (PTHSL2). Identifiers: Orphanet 221150, Orphanet 600663, MedGen C3280479, MONDO:0013690, OMIM 614325.

Allele frequency attached by ClinVar (database versions not stated): TOPMed 0.00002.
gnomAD v4.1: 11 of 1,492,806 alleles (0.00074%); highest among the groups gnomAD compares: Non-Finnish European, 0.00098%; no homozygotes.

Submissions (2):

Labcorp Genetics (formerly Invitae), Labcorp
Classification: Likely benign for Pitt-Hopkins-like syndrome 2. Last evaluated: 2024-09-02. Review status: criteria provided, single submitter. Criteria: Invitae Variant Classification Sherloc (09022015). Collection method: clinical testing. Allele origin: germline.

GeneDx
Classification: Likely benign. Last evaluated: 2018-02-02. Review status: criteria provided, single submitter. Criteria: GeneDx Variant Classification (06012015). Collection method: clinical testing. Allele origin: germline. Affected: yes.
Comment: This variant is considered likely benign or benign based on one or more of the following criteria: it is a conservative change, it occurs at a poorly conserved position in the protein, it is predicted to be benign by multiple in silico algorithms, and/or has population frequency not consistent with disease.